The following is an entry in ClinVar:

NM_022552.5(DNMT3A):c.448+61G>T

Gene: DNMT3A (DNA methyltransferase 3 alpha; minus strand). Cytogenetic location: 2p23.3.
Variant type: single nucleotide variant.
Coding change: c.448+61G>T on transcript NM_022552.5 (MANE Select); 61 bases into the intron after coding-DNA position 448, G replaced by T.
Molecular consequence: intron variant. On other transcripts: 3 prime UTR variant (2).
Genome position (GRCh38, 1-based): chr2:25,282,380, C>A on the plus strand (G>T on the coding strand, the complement: DNMT3A is on the minus strand). VCF-style: chr2-25282380-C-A. GRCh37 (hg19) VCF-style: chr2-25505249-C-A.
Other names: c.*8G>T (NM_001320892.2, NM_175630.1); c.448+61G>T (NM_175629.2).
Identifiers: ClinVar variation 4998163 (VCV004998163.1).

ClinVar aggregate classification (germline): Uncertain significance (1 of 4 stars; one submission).

Conditions:
DNMT3A-related disorder. Also called: DNMT3A-related disorders; DNMT3A-related condition.

Submission:

PreventionGenetics, part of Exact Sciences
Classification: Uncertain significance for DNMT3A-related condition. Last evaluated: 2025-05-23. Review status: criteria provided, single submitter. Criteria: ACMG Guidelines, 2015. Collection method: clinical testing. Allele origin: germline.
Comment: The DNMT3A c.448+61G>T variant is predicted to interfere with splicing. To our knowledge, this variant has not been reported in the literature or in a large population database (gnomAD), indicating this variant is rare. At this time, the clinical significance of this variant is uncertain due to the absence of conclusive functional and genetic evidence.